The following is an entry in ClinVar:

NM_004656.4(BAP1):c.1306C>A (p.Gln436Lys)

Gene: BAP1 (BRCA1 associated deubiquitinase 1; minus strand). Cytogenetic location: 3p21.1.
Variant type: single nucleotide variant.
Coding change: c.1306C>A on transcript NM_004656.4 (MANE Select); coding-DNA position 1306, C replaced by A.
Protein change: p.Gln436Lys; replaces glutamine 436 with lysine.
Molecular consequence: missense variant.
Genome position (GRCh38, 1-based): chr3:52,403,839, G>T on the plus strand (C>A on the coding strand, the complement: BAP1 is on the minus strand). VCF-style: chr3-52403839-G-T. GRCh37 (hg19) VCF-style: chr3-52437855-G-T.
Other names: c.1306C>A (NM_004656.2); short protein forms Q436K.
Identifiers: ClinVar variation 1171973 (VCV001171973.7), dbSNP rs2153226757, ClinGen allele CA353102220.

ClinVar aggregate classification (germline): Uncertain significance. Review status: criteria provided, multiple submitters, no conflicts (2 of 4 stars). 3 submissions from 3 submitters: Uncertain significance (3). Last evaluated 2024-12-10.

Conditions:
Hereditary cancer-predisposing syndrome. Also called: Tumor predisposition; Hereditary neoplastic syndrome; Hereditary Cancer Syndrome; Neoplastic Syndromes, Hereditary. Identifiers: Orphanet 140162, MedGen C0027672, MeSH D009386, MONDO:0015356.
BAP1-related tumor predisposition syndrome (TPDS1). Also called: Tumor susceptibility linked to germline BAP1 mutations; COMMON Syndrome; TUMOR PREDISPOSITION SYNDROME 1; BAP1 tumor predisposition syndrome. Identifiers: Orphanet 289539, MedGen C3280492, MONDO:0013692, OMIM 614327.

gnomAD v4.1: 2 of 1,614,088 alleles (0.00012%); highest among the groups gnomAD compares: Non-Finnish European, 0.00017%; no homozygotes.

Submissions (3):

Labcorp Genetics (formerly Invitae), Labcorp
Classification: Uncertain significance for BAP1-related tumor predisposition syndrome. Last evaluated: 2024-12-10. Review status: criteria provided, single submitter. Criteria: Invitae Variant Classification Sherloc (09022015). Collection method: clinical testing. Allele origin: germline.
Comment: This sequence change replaces glutamine, which is neutral and polar, with lysine, which is basic and polar, at codon 436 of the BAP1 protein (p.Gln436Lys). This variant is not present in population databases (gnomAD no frequency). This variant has not been reported in the literature in individuals affected with BAP1-related conditions. ClinVar contains an entry for this variant (Variation ID: 1171973). Invitae Evidence Modeling of protein sequence and biophysical properties (such as structural, functional, and spatial information, amino acid conservation, physicochemical variation, residue mobility, and thermodynamic stability) indicates that this missense variant is not expected to disrupt BAP1 protein function with a negative predictive value of 80%. In summary, the available evidence is currently insufficient to determine the role of this variant in disease. Therefore, it has been classified as a Variant of Uncertain Significance.

Color Diagnostics, LLC DBA Color Health
Classification: Uncertain significance for Hereditary cancer-predisposing syndrome. Last evaluated: 2024-03-06. Review status: criteria provided, single submitter. Criteria: ACMG Guidelines, 2015. Collection method: clinical testing. Allele origin: germline.
Comment: This missense variant replaces glutamine with lysine at codon 436 of the BAP1 protein. Computational prediction suggests that this variant may not impact protein structure and function (internally defined REVEL score threshold <= 0.5, PMID: 27666373). To our knowledge, functional studies have not been reported for this variant. This variant has not been reported in individuals affected with hereditary cancer in the literature. This variant has not been identified in the general population by the Genome Aggregation Database (gnomAD). The available evidence is insufficient to determine the role of this variant in disease conclusively. Therefore, this variant is classified as a Variant of Uncertain Significance.

Ambry Genetics
Classification: Uncertain significance for Hereditary cancer-predisposing syndrome. Last evaluated: 2023-02-16. Review status: criteria provided, single submitter. Criteria: Ambry Variant Classification Scheme 2023. Collection method: clinical testing. Allele origin: germline.
Comment: The p.Q436K variant (also known as c.1306C>A), located in coding exon 13 of the BAP1 gene, results from a C to A substitution at nucleotide position 1306. The glutamine at codon 436 is replaced by lysine, an amino acid with similar properties. This amino acid position is conserved. In addition, this alteration is predicted to be tolerated by in silico analysis. Since supporting evidence is limited at this time, the clinical significance of this alteration remains unclear.